The following is an entry in ClinVar:

NM_000166.6(GJB1):c.610C>G (p.Leu204Val)

Gene: GJB1 (gap junction protein beta 1; plus strand). Cytogenetic location: Xq13.1.
Variant type: single nucleotide variant.
Coding change: c.610C>G on transcript NM_000166.6 (MANE Select); coding-DNA position 610, C replaced by G.
Protein change: p.Leu204Val; replaces leucine 204 with valine.
Molecular consequence: missense variant.
Genome position (GRCh38, 1-based): chrX:71,224,317, C>G. VCF-style: chrX-71224317-C-G. GRCh37 (hg19) VCF-style: chrX-70444167-C-G.
Other names: c.610C>G, p.Leu204Val (NM_001097642.3); short protein forms L204V.
Identifiers: ClinVar variation 637576 (VCV000637576.8), dbSNP rs1064795540, ClinGen allele CA413503287.

ClinVar aggregate classification (germline): Pathogenic/Likely pathogenic. Review status: criteria provided, multiple submitters, no conflicts (2 of 4 stars). 3 submissions from 3 submitters: Pathogenic (1); Likely pathogenic (1). 1 of the submissions does not count toward it. Last evaluated 2024-04-22.

Conditions:
Charcot-Marie-Tooth disease. Also called: Charcot-Marie-Tooth Hereditary Neuropathy; Charcot-Marie-Tooth Neuropathy. Identifiers: Orphanet 166, MedGen C0007959, MONDO:0015626.
Charcot-Marie-Tooth Neuropathy X. Identifiers: MedGen CN118851.

Submissions (3):

GeneDx
Classification: Likely pathogenic. Last evaluated: 2024-04-22. Review status: criteria provided, single submitter. Criteria: GeneDx Variant Classification Process June 2021. Collection method: clinical testing. Allele origin: germline. Affected: yes.
Comment: Reported in the published literature in association with X-linked Charcot-Marie-Tooth disease (PMID: 9361298); Not observed at significant frequency in large population cohorts (gnomAD); Missense variants in this gene are a common cause of disease and they are underrepresented in the general population; In silico analysis supports that this missense variant has a deleterious effect on protein structure/function; This variant is associated with the following publications: (PMID: 9361298)

Labcorp Genetics (formerly Invitae), Labcorp
Classification: Pathogenic for Charcot-Marie-Tooth Neuropathy X. Last evaluated: 2024-03-13. Review status: criteria provided, single submitter. Criteria: Invitae Variant Classification Sherloc (09022015). Collection method: clinical testing. Allele origin: germline.
Comment: This sequence change replaces leucine, which is neutral and non-polar, with valine, which is neutral and non-polar, at codon 204 of the GJB1 protein (p.Leu204Val). This variant is not present in population databases (gnomAD no frequency). This missense change has been observed in individuals with X-linked Charcot–Marie–Tooth Disease (PMID: 9361298). ClinVar contains an entry for this variant (Variation ID: 637576). Advanced modeling of protein sequence and biophysical properties (such as structural, functional, and spatial information, amino acid conservation, physicochemical variation, residue mobility, and thermodynamic stability) performed at Invitae indicates that this missense variant is expected to disrupt GJB1 protein function with a positive predictive value of 80%. This variant disrupts the p.Leu204 amino acid residue in GJB1. Other variant(s) that disrupt this residue have been observed in individuals with GJB1-related conditions (PMID: 9633821; Invitae), which suggests that this may be a clinically significant amino acid residue. For these reasons, this variant has been classified as Pathogenic.

Inherited Neuropathy Consortium
Classification: Uncertain significance for Charcot-Marie-Tooth disease. Review status: no assertion criteria provided. Collection method: literature only. Allele origin: germline. Affected: yes. Not counted in ClinVar's aggregate classification.

Literature cited by the submitters: PubMed 9361298 (cited by Labcorp Genetics (formerly Invitae), Labcorp and Inherited Neuropathy Consortium); PubMed 9633821 (cited by Labcorp Genetics (formerly Invitae), Labcorp).